The following is an entry in ClinVar:

NM_024996.7(GFM1):c.53C>T (p.Pro18Leu)

Gene: GFM1 (G elongation factor mitochondrial 1; plus strand). Cytogenetic location: 3q25.32.
Variant type: single nucleotide variant.
Coding change: c.53C>T on transcript NM_024996.7 (MANE Select); coding-DNA position 53, C replaced by T.
Protein change: p.Pro18Leu; replaces proline 18 with leucine.
Molecular consequence: missense variant. On other transcripts: 5 prime UTR variant (4), non-coding transcript variant (4).
Genome position (GRCh38, 1-based): chr3:158,644,687, C>T. VCF-style: chr3-158644687-C-T. GRCh37 (hg19) VCF-style: chr3-158362476-C-T.
Other names: p.Pro18Leu; c.53C>T, p.Pro18Leu (NM_001308164.2, NM_001308166.2, NM_001374355.1 and 2 more transcripts); c.-339C>T (NM_001374357.1); c.-177C>T (NM_001374359.1, NM_001374360.1, NM_001374361.1); short protein forms P18L.
Identifiers: ClinVar variation 2682849 (VCV002682849.1), dbSNP rs2473929840, ClinGen allele CA355175016.

ClinVar aggregate classification (germline): Uncertain significance (1 of 4 stars; one submission).

Allele frequency attached by ClinVar (database versions not stated): gnomAD exomes below 0.00001.
gnomAD v4.1: 1 of 1,580,320 alleles (0.000063%); highest among the groups gnomAD compares: Non-Finnish European, 0.000086%; no homozygotes.

Submission:

Mayo Clinic Laboratories, Mayo Clinic
Classification: Uncertain significance. Last evaluated: 2022-04-19. Review status: criteria provided, single submitter. Criteria: ACMG Guidelines, 2015. Collection method: clinical testing. Allele origin: germline. Observed: 1 variant allele.
Comment: BP4, PM2